The following is an entry in ClinVar:

ClinVar aggregate classification (germline): Likely benign. Review status: criteria provided, multiple submitters, no conflicts (2 of 4 stars). 2 submissions from 2 submitters: Likely benign (2). Last evaluated 2026-01-14.

Conditions:
Pheochromocytoma/paraganglioma syndrome 4. Also called: SDHB-Related Hereditary Paraganglioma-Pheochromocytoma Syndrome (Paragangliomas 4); PARAGANGLIOMA, FAMILIAL MALIGNANT; PARAGANGLIOMAS, HEREDITARY EXTRAADRENAL; PHEOCHROMOCYTOMA, FAMILIAL EXTRAADRENAL; Paragangliomas 4; CAROTID BODY TUMORS AND MULTIPLE EXTRAADRENAL PHEOCHROMOCYTOMAS. Identifiers: Orphanet 29072, MedGen C1861848, MONDO:0007273, OMIM 115310.
Gastrointestinal stromal tumor. Also called: Gastrointestinal stroma tumor; Gastrointestinal stromal tumor, somatic. Identifiers: Orphanet 44890, MedGen C0238198, MeSH D046152, MONDO:0011719, OMIM 606764, HP:0100723.
Pheochromocytoma. Also called: MAX-Related Hereditary Paraganglioma-Pheochromocytoma Syndrome. Identifiers: Orphanet 29072, MedGen C0031511, MONDO:0008233, OMIM 171300, HP:0002666.

Submissions (2):

Labcorp Genetics (formerly Invitae), Labcorp
Classification: Likely benign for Gastrointestinal stromal tumor; Pheochromocytoma/paraganglioma syndrome 4; Pheochromocytoma. Last evaluated: 2026-01-14. Review status: criteria provided, single submitter. Criteria: Invitae Variant Classification Sherloc (09022015). Collection method: clinical testing. Allele origin: germline.

GeneDx
Classification: Likely benign. Last evaluated: 2017-04-18. Review status: criteria provided, single submitter. Criteria: GeneDx Variant Classification (06012015). Collection method: clinical testing. Allele origin: germline. Affected: yes.
Comment: This variant is considered likely benign or benign based on one or more of the following criteria: it is a conservative change, it occurs at a poorly conserved position in the protein, it is predicted to be benign by multiple in silico algorithms, and/or has population frequency not consistent with disease.

NM_003000.3(SDHB):c.423+15CT[2]

Gene: SDHB (succinate dehydrogenase complex iron sulfur subunit B; minus strand). Cytogenetic location: 1p36.13.
Variant type: Microsatellite.
Coding change: c.423+15CT[2] on transcript NM_003000.3 (MANE Select); two copies in a row of the 2-base unit CT starting at c.423+15; the reference has three copies in a row; one copy, 2 bases deleted.
Molecular consequence: intron variant.
Genome position (GRCh38, 1-based): chr1:17,028,580-17,028,581, AG deleted on the plus strand (CT on the coding strand, the reverse complement: SDHB is on the minus strand); deleting any 2 consecutive bases within chr1:17,028,580-17,028,586 gives the same sequence; the position shown is the placement nearest the transcript's 3' end. VCF-style (leftmost placement, unchanged base first): chr1-17028579-CAG-C. GRCh37 (hg19) VCF-style: chr1-17355074-CAG-C.
Other names: c.423+19_423+20delCT (NM_003000.2).
Identifiers: ClinVar variation 508974 (VCV000508974.9), dbSNP rs778120334, ClinGen allele CA089609.